The following is an entry in ClinVar:

NM_001386135.1(AFF3):c.1604C>T (p.Thr535Ile)

Gene: AFF3 (ALF transcription elongation factor 3; minus strand). Cytogenetic location: 2q11.2.
Variant type: single nucleotide variant.
Coding change: c.1604C>T on transcript NM_001386135.1 (MANE Select); coding-DNA position 1604, C replaced by T.
Protein change: p.Thr535Ile; replaces threonine 535 with isoleucine.
Molecular consequence: missense variant.
Genome position (GRCh38, 1-based): chr2:99,594,057, G>A on the plus strand (C>T on the coding strand, the complement: AFF3 is on the minus strand). VCF-style: chr2-99594057-G-A. GRCh37 (hg19) VCF-style: chr2-100210519-G-A.
Other names: c.1679C>T, p.Thr560Ile (NM_001025108.2); c.1604C>T, p.Thr535Ile (NM_002285.3); short protein forms T535I, T560I.
Identifiers: ClinVar variation 3903365 (VCV003903365.1).

ClinVar aggregate classification (germline): Uncertain significance (1 of 4 stars; one submission).

Submission:

GeneDx
Classification: Uncertain significance. Last evaluated: 2024-12-09. Review status: criteria provided, single submitter. Criteria: GeneDx Variant Classification Process June 2021. Collection method: clinical testing. Allele origin: germline. Affected: yes.
Comment: Has not been previously published as pathogenic or benign to our knowledge; Not observed at significant frequency in large population cohorts (gnomAD); In silico analysis indicates that this missense variant does not alter protein structure/function